The following is an entry in ClinVar:

NM_005560.6(LAMA5):c.159C>G (p.Ala53=)

Genes: LAMA5 (laminin subunit alpha 5; minus strand), LOC130066305 (ATAC-STARR-seq lymphoblastoid silent region 13109; plus strand). Cytogenetic location: 20q13.33.
Variant type: single nucleotide variant.
Coding change: c.159C>G on transcript NM_005560.6 (MANE Select); coding-DNA position 159, C replaced by G.
Protein change: p.Ala53=; no amino-acid change (alanine 53 retained).
Molecular consequence: synonymous variant.
Genome position (GRCh38, 1-based): chr20:62,367,087, G>C on the plus strand (C>G on the coding strand, the complement: LAMA5 is on the minus strand). VCF-style: chr20-62367087-G-C. GRCh37 (hg19) VCF-style: chr20-60942143-G-C.
Other names: c.159C>G (NM_005560.4).
Identifiers: ClinVar variation 2721387 (VCV002721387.6), dbSNP rs752924820, ClinGen allele CA9944540.

ClinVar aggregate classification (germline): Likely benign. Review status: criteria provided, multiple submitters, no conflicts (2 of 4 stars). 3 submissions from 3 submitters: Likely benign (2). 1 of the submissions does not count toward it. Last evaluated 2023-07-24.

Conditions:
LAMA5-related disorder. Also called: LAMA5-related condition; LAMA5-Related Disorders.

gnomAD v4.1: 48 of 1,267,186 alleles (0.0038%); highest among the groups gnomAD compares: South Asian, 0.081%; no homozygotes.

Submissions (3):

Labcorp Genetics (formerly Invitae), Labcorp
Classification: Likely benign. Last evaluated: 2023-07-24. Review status: criteria provided, single submitter. Criteria: Invitae Variant Classification Sherloc (09022015). Collection method: clinical testing. Allele origin: germline.

Blueprint Genetics
Classification: Likely benign. Last evaluated: 2022-06-02. Review status: criteria provided, single submitter. Criteria: ACMG Guidelines, 2015. Collection method: clinical testing. Allele origin: germline.

PreventionGenetics, part of Exact Sciences
Classification: Likely benign for LAMA5-related condition. Last evaluated: 2019-03-25. Review status: no assertion criteria provided. Collection method: clinical testing. Allele origin: germline. Not counted in ClinVar's aggregate classification.
Comment: This variant is classified as likely benign based on ACMG/AMP sequence variant interpretation guidelines (Richards et al. 2015 PMID: 25741868, with internal and published modifications).